The following is an entry in ClinVar:

ClinVar aggregate classification (germline): Uncertain significance. Review status: criteria provided, multiple submitters, no conflicts (2 of 4 stars). 2 submissions from 2 submitters: Uncertain significance (2). Last evaluated 2024-09-24.

Conditions:
Inborn genetic diseases. Identifiers: MedGen C0950123, MeSH D030342.

Allele frequency attached by ClinVar (database versions not stated): gnomAD exomes below 0.00001.
gnomAD v4.1: 2 of 1,614,204 alleles (0.00012%); highest among the groups gnomAD compares: African/African-American, 0.0013%; no homozygotes.

Submissions (2):

Ambry Genetics
Classification: Uncertain significance for Inborn genetic diseases. Last evaluated: 2024-09-24. Review status: criteria provided, single submitter. Criteria: Ambry Variant Classification Scheme 2023. Collection method: clinical testing. Allele origin: germline.

Labcorp Genetics (formerly Invitae), Labcorp
Classification: Uncertain significance. Last evaluated: 2022-07-05. Review status: criteria provided, single submitter. Criteria: Invitae Variant Classification Sherloc (09022015). Collection method: clinical testing. Allele origin: germline.
Comment: This sequence change replaces histidine, which is basic and polar, with arginine, which is basic and polar, at codon 808 of the LIFR protein (p.His808Arg). This variant is not present in population databases (gnomAD no frequency). This variant has not been reported in the literature in individuals affected with LIFR-related conditions. ClinVar contains an entry for this variant (Variation ID: 1415964). Algorithms developed to predict the effect of missense changes on protein structure and function output the following: SIFT: "Tolerated"; PolyPhen-2: "Benign"; Align-GVGD: "Class C0". The arginine amino acid residue is found in multiple mammalian species, which suggests that this missense change does not adversely affect protein function. In summary, the available evidence is currently insufficient to determine the role of this variant in disease. Therefore, it has been classified as a Variant of Uncertain Significance.

NM_001127671.2(LIFR):c.2423A>G (p.His808Arg)

Gene: LIFR (LIF receptor subunit alpha; minus strand). Cytogenetic location: 5p13.1.
Variant type: single nucleotide variant.
Coding change: c.2423A>G on transcript NM_001127671.2 (MANE Select); coding-DNA position 2423, A replaced by G.
Protein change: p.His808Arg; replaces histidine 808 with arginine.
Molecular consequence: missense variant.
Genome position (GRCh38, 1-based): chr5:38,485,893, T>C on the plus strand (A>G on the coding strand, the complement: LIFR is on the minus strand). VCF-style: chr5-38485893-T-C. GRCh37 (hg19) VCF-style: chr5-38485995-T-C.
Other names: c.2423A>G, p.His808Arg (NM_001364297.2, NM_001364298.2, NM_002310.6); c.2423A>G (NM_002310.5); short protein forms H808R.
Identifiers: ClinVar variation 1415964 (VCV001415964.7), dbSNP rs1580002991, ClinGen allele CA359536130.